The following is an entry in ClinVar:

ClinVar aggregate classification (germline): Benign. Review status: criteria provided, multiple submitters, no conflicts (2 of 4 stars). 2 submissions from 2 submitters: Benign (2). Last evaluated 2019-12-31.

Conditions:
Long QT syndrome (LQTS). Identifiers: MedGen C0023976, MeSH D008133, MONDO:0002442. Disease mechanism: loss of function. Inheritance: Various modes of inheritance.

Allele frequency attached by ClinVar (database versions not stated): TOPMed 0.99884; 1000 Genomes Project 0.99980; 1000 Genomes Project 30x 0.99984.
gnomAD v4.1: 150,280 of 150,436 alleles (100%); highest among the groups gnomAD compares: Middle Eastern, 100%; 75,063 homozygotes.

Submissions (2):

Labcorp Genetics (formerly Invitae), Labcorp
Classification: Benign for Long QT syndrome. Last evaluated: 2019-12-31. Review status: criteria provided, single submitter. Criteria: Invitae Variant Classification Sherloc (09022015). Collection method: clinical testing. Allele origin: germline.

GeneDx
Classification: Benign. Last evaluated: 2018-06-19. Review status: criteria provided, single submitter. Criteria: GeneDx Variant Classification (06012015). Collection method: clinical testing. Allele origin: germline. Affected: yes.
Comment: This variant is considered likely benign or benign based on one or more of the following criteria: it is a conservative change, it occurs at a poorly conserved position in the protein, it is predicted to be benign by multiple in silico algorithms, and/or has population frequency not consistent with disease.

NM_000719.7(CACNA1C):c.49+255G>A

Gene: CACNA1C (calcium voltage-gated channel subunit alpha1 C; plus strand). Cytogenetic location: 12p13.33.
Variant type: single nucleotide variant.
Coding change: c.49+255G>A on transcript NM_000719.7 (MANE Select); 255 bases into the intron after coding-DNA position 49, G replaced by A.
Molecular consequence: intron variant.
Genome position (GRCh38, 1-based): chr12:2,053,866, G>A. VCF-style: chr12-2053866-G-A. GRCh37 (hg19) VCF-style: chr12-2163032-G-A.
Other names: c.49+255G>A (NM_001167624.3, NM_001167623.2, NM_001167625.2 and 19 more transcripts).
Identifiers: ClinVar variation 683259 (VCV000683259.5), dbSNP rs11062092, ClinGen allele CA16434403.